The following is an entry in ClinVar:

ClinVar aggregate classification (germline): Pathogenic (1 of 4 stars; one submission).

Conditions:
Nephronophthisis 15 (NPHP15). Identifiers: Orphanet 3156, MedGen C3541853, MONDO:0013917, OMIM 614845.

Submission:

Labcorp Genetics (formerly Invitae), Labcorp
Classification: Pathogenic for Nephronophthisis 15. Last evaluated: 2025-07-20. Review status: criteria provided, single submitter. Criteria: Invitae Variant Classification Sherloc (09022015). Collection method: clinical testing. Allele origin: germline.
Comment: This sequence change creates a premature translational stop signal (p.Arg608Serfs*42) in the CEP164 gene. It is expected to result in an absent or disrupted protein product. Loss-of-function variants in CEP164 are known to be pathogenic (PMID: 22863007, 28125082, 32367404, 34132027, 34499853). This variant is not present in population databases (gnomAD no frequency). This variant has not been reported in the literature in individuals affected with CEP164-related conditions. For these reasons, this variant has been classified as Pathogenic.

Literature cited by the submitters: PubMed 22863007; PubMed 28125082; PubMed 32367404; PubMed 34132027; PubMed 34499853.

NM_014956.5(CEP164):c.1819_1823dup (p.Arg608fs)

Gene: CEP164 (centrosomal protein 164; plus strand). Cytogenetic location: 11q23.3.
Variant type: Duplication.
Coding change: c.1819_1823dup on transcript NM_014956.5 (MANE Select); coding-DNA positions 1819 to 1823, 5 bases duplicated (CAGAG; older notation c.1819_1823dupCAGAG).
Protein change: p.Arg608fs; shifts the reading frame from arginine 608.
Molecular consequence: frameshift variant. On other transcripts: intron variant (6).
Genome position (GRCh38, 1-based): chr11:117,387,297-117,387,301, CAGAG duplicated. VCF-style (leftmost placement, unchanged base first): chr11-117387296-C-CCAGAG. GRCh37 (hg19) VCF-style: chr11-117258012-C-CCAGAG.
Other names: c.1828_1832dup, p.Arg611fs (NM_001271933.2, NM_001440949.1); c.1819_1823dup, p.Arg608fs (NM_001440950.1, NM_001440951.1, NM_001440953.1); c.1654_1658dup, p.Arg553fs (NM_001440952.1, NM_001440968.1, NM_001440969.1); c.1741_1745dup, p.Arg582fs (NM_001440954.1, NM_001440955.1, NM_001440958.1 and 1 more transcripts); c.1732_1736dup, p.Arg579fs (NM_001440956.1, NM_001440957.1); c.1690_1694dup, p.Arg565fs (NM_001440960.1); c.1681_1685dup, p.Arg562fs (NM_001440961.1, NM_001440967.1); c.1672_1676dup, p.Arg559fs (NM_001440962.1, NM_001440963.1, NM_001440964.1 and 4 more transcripts); and 7 more; short protein forms R553fs, R562fs, R565fs, R579fs, R559fs, R582fs, R555fs, R608fs.
Identifiers: ClinVar variation 4719704 (VCV004719704.1).
Genomic context (GRCh38, chr11:117,387,296, plus strand): 5'-GCTCTCAGAGGCTGCACTAAAGGCCATGGAAGAGGCAGTGGCCCAAGTACTCGAGCAAGA[C>CCAGAG]CAGAGGCACCTGCTGGAATCCAAGCAAGAGAAGATGCAGCAACTGCGGGAGAAGCTGTGC-3'